The following is an entry in ClinVar:

ClinVar aggregate classification (germline): Pathogenic (1 of 4 stars; one submission).

Submission:

ISCA site 14
Classification: Pathogenic. Last evaluated: 2011-08-12. Review status: criteria provided, single submitter. Criteria: Kaminsky et al. (Genet Med. 2011). Collection method: clinical testing. Allele origin: de novo. Affected: yes. Observed: 1 variant allele.
Comment: Copy number variation identified through the course of routine clinical cytogenomic testing in postnatal populations. Clinical assertions have been curated as described in Kaminsky et al. 2011.

GRCh38/hg38 10q26.13-26.2(chr10:122826743-126730948)x1

Genes: ABRAXAS2 (abraxas 2, BRISC complex subunit; plus strand), CHST15 (carbohydrate sulfotransferase 15; minus strand), ACADSB (acyl-CoA dehydrogenase short/branched chain; plus strand), ADAM12 (ADAM metallopeptidase domain 12; minus strand), BCCIP (BRCA2 and CDKN1A interacting protein; plus strand) and 162 more. Cytogenetic location: 10q26.13-26.2.
Variant type: copy number loss.
Change: copy number 1 (one copy instead of two) of chr10:122,826,743-126,730,948 (3.90 Mb, GRCh38 coordinates, 1-based), cytogenetic band 10q26.13-26.2.
Identifiers: ClinVar variation 58820 (VCV000058820.1).